The following is an entry in ClinVar:

ClinVar aggregate classification (germline): Uncertain significance (1 of 4 stars; one submission).

Conditions:
Cardiovascular phenotype. Identifiers: MedGen CN230736.

gnomAD v4.1: 2 of 1,614,098 alleles (0.00012%); highest among the groups gnomAD compares: Non-Finnish European, 0.000085%; no homozygotes.

Submission:

Ambry Genetics
Classification: Uncertain significance for Cardiovascular phenotype. Last evaluated: 2025-09-17. Review status: criteria provided, single submitter. Criteria: Ambry Variant Classification Scheme 2023. Collection method: clinical testing. Allele origin: germline.
Comment: The p.L315M variant (also known as c.943C>A), located in coding exon 5 of the CYP27A1 gene, results from a C to A substitution at nucleotide position 943. The leucine at codon 315 is replaced by methionine, an amino acid with highly similar properties. This amino acid position is conserved. In addition, the in silico prediction for this alteration is inconclusive. Based on the available evidence, the clinical significance of this variant remains unclear.

NM_000784.4(CYP27A1):c.943C>A (p.Leu315Met)

Gene: CYP27A1 (cytochrome P450 family 27 subfamily A member 1; plus strand). Cytogenetic location: 2q35.
Variant type: single nucleotide variant.
Coding change: c.943C>A on transcript NM_000784.4 (MANE Select); coding-DNA position 943, C replaced by A.
Protein change: p.Leu315Met; replaces leucine 315 with methionine.
Molecular consequence: missense variant.
Genome position (GRCh38, 1-based): chr2:218,813,022, C>A. VCF-style: chr2-218813022-C-A. GRCh37 (hg19) VCF-style: chr2-219677745-C-A.
Other names: short protein forms L315M.
Identifiers: ClinVar variation 4613947 (VCV004613947.1).